The following is an entry in ClinVar:

ClinVar aggregate classification (germline): Uncertain significance (1 of 4 stars; one submission).

gnomAD v4.1: 1 of 1,613,970 alleles (0.000062%); highest among the groups gnomAD compares: Non-Finnish European, 0.000085%; no homozygotes.

Submission:

Labcorp Genetics (formerly Invitae), Labcorp
Classification: Uncertain significance. Last evaluated: 2024-07-19. Review status: criteria provided, single submitter. Criteria: Invitae Variant Classification Sherloc (09022015). Collection method: clinical testing. Allele origin: germline.
Comment: This sequence change replaces phenylalanine, which is neutral and non-polar, with serine, which is neutral and polar, at codon 417 of the WFS1 protein (p.Phe417Ser). This variant is present in population databases (rs111570388, gnomAD 0.0009%). This variant has not been reported in the literature in individuals affected with WFS1-related conditions. Advanced modeling of protein sequence and biophysical properties (such as structural, functional, and spatial information, amino acid conservation, physicochemical variation, residue mobility, and thermodynamic stability) has been performed at Invitae for this missense variant, however the output from this modeling did not meet the statistical confidence thresholds required to predict the impact of this variant on WFS1 protein function. In summary, the available evidence is currently insufficient to determine the role of this variant in disease. Therefore, it has been classified as a Variant of Uncertain Significance.

NM_006005.3(WFS1):c.1250T>C (p.Phe417Ser)

Gene: WFS1 (wolframin ER transmembrane glycoprotein; plus strand). Cytogenetic location: 4p16.1.
Variant type: single nucleotide variant.
Coding change: c.1250T>C on transcript NM_006005.3 (MANE Select); coding-DNA position 1250, T replaced by C.
Protein change: p.Phe417Ser; replaces phenylalanine 417 with serine.
Molecular consequence: missense variant.
Genome position (GRCh38, 1-based): chr4:6,301,045, T>C. VCF-style: chr4-6301045-T-C. GRCh37 (hg19) VCF-style: chr4-6302772-T-C.
Other names: c.1250T>C, p.Phe417Ser (NM_001145853.1); short protein forms F417S.
Identifiers: ClinVar variation 3675121 (VCV003675121.2).